The following is an entry in ClinVar:

NM_194454.3(KRIT1):c.845+9T>G

Gene: KRIT1 (KRIT1 ankyrin repeat containing; minus strand). Cytogenetic location: 7q21.2.
Variant type: single nucleotide variant.
Coding change: c.845+9T>G on transcript NM_194454.3 (MANE Select); 9 bases into the intron after coding-DNA position 845, T replaced by G.
Molecular consequence: intron variant.
Genome position (GRCh38, 1-based): chr7:92,234,799, A>C on the plus strand (T>G on the coding strand, the complement: KRIT1 is on the minus strand). VCF-style: chr7-92234799-A-C. GRCh37 (hg19) VCF-style: chr7-91864113-A-C.
Other names: c.845+9T>G (NM_001350672.1, NM_001350676.1, NM_001350673.1 and 29 more transcripts); c.131+9T>G (NM_001350671.1).
Identifiers: ClinVar variation 703501 (VCV000703501.14), dbSNP rs140152251, ClinGen allele CA4339300.

ClinVar aggregate classification (germline): Likely benign. Review status: criteria provided, single submitter (1 of 4 stars). 2 submissions from 2 submitters: Likely benign (1). 1 of the submissions does not count toward it. Last evaluated 2025-08-02.

Conditions:
KRIT1-related disorder. Also called: KRIT1-related condition; KRIT1-related disorders.
Cerebral cavernous malformation (CCM). Also called: Cavernous Hemangioma of Brain; Cerebral cavernous hemangioma (type); Cerebral cavernous malformations; CAVERNOUS ANGIOMA, FAMILIAL; CAVERNOUS ANGIOMATOUS MALFORMATIONS; CEREBRAL CAPILLARY MALFORMATIONS. Identifiers: Orphanet 221061, MedGen C2919945, MONDO:0000820, OMIM 116860, HP:0033522.

Allele frequency attached by ClinVar (database versions not stated): ExAC 0.00012; gnomAD 0.00014 and 0.00015; ESP Exome Variant Server 0.00015; TOPMed 0.00017; gnomAD exomes 0.00019; 1000 Genomes Project 0.00020; 1000 Genomes Project 30x 0.00047.
gnomAD v4.1: 361 of 1,500,064 alleles (0.024%); highest among the groups gnomAD compares: Admixed American, 0.035%; no homozygotes.

Submissions (2):

Labcorp Genetics (formerly Invitae), Labcorp
Classification: Likely benign for Cerebral cavernous malformation. Last evaluated: 2025-08-02. Review status: criteria provided, single submitter. Criteria: Invitae Variant Classification Sherloc (09022015). Collection method: clinical testing. Allele origin: germline.

PreventionGenetics, part of Exact Sciences
Classification: Likely benign for KRIT1-related condition. Last evaluated: 2024-06-26. Review status: no assertion criteria provided. Collection method: clinical testing. Allele origin: germline. Not counted in ClinVar's aggregate classification.
Comment: This variant is classified as likely benign based on ACMG/AMP sequence variant interpretation guidelines (Richards et al. 2015 PMID: 25741868, with internal and published modifications).